The following is an entry in ClinVar:

NM_032383.5(HPS3):c.23A>G (p.His8Arg)

Gene: HPS3 (HPS3 biogenesis of lysosomal organelles complex 2 subunit 1; plus strand). Cytogenetic location: 3q24.
Variant type: single nucleotide variant.
Coding change: c.23A>G on transcript NM_032383.5 (MANE Select); coding-DNA position 23, A replaced by G.
Protein change: p.His8Arg; replaces histidine 8 with arginine.
Molecular consequence: missense variant.
Genome position (GRCh38, 1-based): chr3:149,129,746, A>G. VCF-style: chr3-149129746-A-G. GRCh37 (hg19) VCF-style: chr3-148847533-A-G.
Other names: c.23A>G, p.His8Arg (NM_001308258.2); short protein forms H8R.
Identifiers: ClinVar variation 3774289 (VCV003774289.1).

ClinVar aggregate classification (germline): Uncertain significance (1 of 4 stars; one submission).

gnomAD v4.1: 1 of 1,604,842 alleles (0.000062%); highest among the groups gnomAD compares: Admixed American, 0.0017%; no homozygotes.

Submission:

GeneDx
Classification: Uncertain significance. Last evaluated: 2024-09-23. Review status: criteria provided, single submitter. Criteria: GeneDx Variant Classification Process June 2021. Collection method: clinical testing. Allele origin: germline. Affected: yes.
Comment: Not observed at significant frequency in large population cohorts (gnomAD); In silico analysis supports that this missense variant has a deleterious effect on protein structure/function; Has not been previously published as pathogenic or benign to our knowledge